The following is an entry in ClinVar:

ClinVar aggregate classification (germline): Pathogenic (1 of 4 stars; one submission).

Conditions:
Primary ciliary dyskinesia 3. Identifiers: Orphanet 244, MedGen C1837618, MONDO:0012085, OMIM 608644.

Submission:

Myriad Genetics, Inc.
Classification: Pathogenic for Primary ciliary dyskinesia 3. Last evaluated: 2024-05-14. Review status: criteria provided, single submitter. Criteria: Myriad Autosomal Dominant, Autosomal Recessive and X-Linked Classification Criteria (2023). Collection method: clinical testing. Allele origin: unknown.
Comment: NM_001369.2(DNAH5):c.2094_2095ins13(K699Yfs*5) is expected to be pathogenic in the context of primary ciliary dyskinesia, DNAH5-related. This variant is predicted to lead to an abnormal or absent protein product due to the creation of a premature termination codon in DNAH5, a gene where loss-of-function variants are known to be pathogenic. Please note: this variant was assessed in the context of healthy population screening.

NM_001369.3(DNAH5):c.2094_2095insTATAAGAGACAGT (p.Lys699delinsTyrLysArgGlnTer)

Genes: DNAH5 (dynein axonemal heavy chain 5; minus strand), DNAH5-AS1 (DNAH5 antisense RNA 1; plus strand). Cytogenetic location: 5p15.2.
Variant type: Insertion.
Coding change: c.2094_2095insTATAAGAGACAGT on transcript NM_001369.3 (MANE Select); coding-DNA positions 2094 to 2095, TATAAGAGACAGT inserted.
Protein change: p.Lys699delinsTyrLysArgGlnTer.
Molecular consequence: nonsense. On other transcripts: non-coding transcript variant (1).
Genome position: GRCh38 VCF-style: chr5-13900370-T-TACTGTCTCTTATA. GRCh37 (hg19) VCF-style: chr5-13900479-T-TACTGTCTCTTATA.
Identifiers: ClinVar variation 5010773 (VCV005010773.1).